The following is an entry in ClinVar:

NM_000551.4(VHL):c.354C>T (p.Leu118=)

Genes: VHL (von Hippel-Lindau tumor suppressor; plus strand), LOC107303340 (3p25 von Hippel-Lindau tumor suppressor, E3 ubiquitin protein ligase Alu-mediated recombination region; plus strand). Cytogenetic location: 3p25.3.
Variant type: single nucleotide variant.
Coding change: c.354C>T on transcript NM_000551.4 (MANE Select); coding-DNA position 354, C replaced by T.
Protein change: p.Leu118=; no amino-acid change (leucine 118 retained).
Molecular consequence: synonymous variant. On other transcripts: intron variant (2).
Genome position (GRCh38, 1-based): chr3:10,146,527, C>T. VCF-style: chr3-10146527-C-T. GRCh37 (hg19) VCF-style: chr3-10188211-C-T.
Other names: c.*18-3260C>T (NM_001354723.2); c.341-3260C>T (NM_198156.3); c.354C>T (NM_000551.3).
Identifiers: ClinVar variation 1092041 (VCV001092041.14), dbSNP rs1051892430, ClinGen allele CA70049406.

ClinVar aggregate classification (germline): Conflicting classifications of pathogenicity. Review status: criteria provided, conflicting classifications (1 of 4 stars). 3 submissions from 3 submitters: Uncertain significance (1); Benign (1); Likely benign (1). Last evaluated 2025-12-23.

Conditions:
Von Hippel-Lindau syndrome (VHLS). Also called: von Hippel–Lindau syndrome; VHL syndrome; Von Hippel-Lindau. Identifiers: Orphanet 892, MedGen C0019562, MONDO:0008667, OMIM 193300. Disease mechanism: loss of function.
Hereditary cancer-predisposing syndrome. Also called: Tumor predisposition; Neoplastic Syndromes, Hereditary; Hereditary Cancer Syndrome; Hereditary neoplastic syndrome. Identifiers: Orphanet 140162, MedGen C0027672, MeSH D009386, MONDO:0015356.
Chuvash polycythemia. Also called: POLYCYTHEMIA, VHL-DEPENDENT. Identifiers: Orphanet 238557, MedGen C1837915, MONDO:0009892, OMIM 263400.

Allele frequency attached by ClinVar (database versions not stated): gnomAD exomes below 0.00001; gnomAD 0.00001; TOPMed 0.00001.

Submissions (3):

Labcorp Genetics (formerly Invitae), Labcorp
Classification: Likely benign for Von Hippel-Lindau syndrome; Chuvash polycythemia. Last evaluated: 2025-12-23. Review status: criteria provided, single submitter. Criteria: Invitae Variant Classification Sherloc (09022015). Collection method: clinical testing. Allele origin: germline.

Ambry Genetics
Classification: Uncertain significance for Hereditary cancer-predisposing syndrome. Last evaluated: 2025-09-24. Review status: criteria provided, single submitter. Criteria: Ambry Variant Classification Scheme 2023. Collection method: clinical testing. Allele origin: germline.
Comment: The c.354C>T variant (also known as p.L118L) is located in coding exon 2 of the VHL gene. This variant results from a C to T substitution at nucleotide position 354. This nucleotide substitution does not change the leucine at codon 118. This nucleotide position is not well conserved in available vertebrate species. In silico splice site analysis for this alteration is inconclusive. RNA studies have demonstrated that this alteration results in an incomplete splice defect; the clinical impact of this abnormal splicing is unknown at this time (Ambry internal data). This variant was determined to be functionally neutral in one saturation genome editing assay (Buckley M et al. Nat Genet, 2024 Jul;56:1446-1455). Based on the available evidence, the clinical significance of this variant remains unclear.

Myriad Genetics, Inc.
Classification: Benign for Von Hippel-Lindau syndrome. Last evaluated: 2025-06-11. Review status: criteria provided, single submitter. Criteria: Myriad Autosomal Dominant, Autosomal Recessive and X-Linked Classification Criteria (2023). Collection method: clinical testing. Allele origin: unknown.
Comment: This variant is considered benign. This variant is a silent/synonymous amino acid change and it is not expected to impact splicing.

Literature cited by the submitters: PubMed 38969834 (cited by Ambry Genetics).